The following is an entry in ClinVar:

ClinVar aggregate classification (germline): Uncertain significance (1 of 4 stars; one submission).

Conditions:
Primary ciliary dyskinesia. Also called: Ciliary dyskinesia. Identifiers: Orphanet 244, MedGen C0008780, MONDO:0016575, HP:0012265.

Submission:

Labcorp Genetics (formerly Invitae), Labcorp
Classification: Uncertain significance for Primary ciliary dyskinesia. Last evaluated: 2019-07-17. Review status: criteria provided, single submitter. Criteria: Invitae Variant Classification Sherloc (09022015). Collection method: clinical testing. Allele origin: germline.
Comment: In summary, the available evidence is currently insufficient to determine the role of this variant in disease. Therefore, it has been classified as a Variant of Uncertain Significance. This variant has not been reported in the literature in individuals with DNAH8-related conditions. This variant is an in-frame deletion of the genomic region encompassing exons 6-9 of the DNAH8 gene. It preserves the integrity of the reading frame. Experimental studies and prediction algorithms are not available or were not evaluated for this variant, and the functional significance of the affected amino acid(s) is currently unknown.

NC_000006.12:g.(?_38737047)_(38750609_?)del

Gene: DNAH8 (dynein axonemal heavy chain 8; plus strand). Cytogenetic location: 6p21.2.
Variant type: Deletion.
Identifiers: ClinVar variation 831987 (VCV000831987.15).